The following is an entry in ClinVar:

NM_001035.3(RYR2):c.1070G>T (p.Gly357Val)

Gene: RYR2 (ryanodine receptor 2; plus strand). Cytogenetic location: 1q43.
Variant type: single nucleotide variant.
Coding change: c.1070G>T on transcript NM_001035.3 (MANE Select); coding-DNA position 1070, G replaced by T.
Protein change: p.Gly357Val; replaces glycine 357 with valine.
Molecular consequence: missense variant.
Genome position (GRCh38, 1-based): chr1:237,441,383, G>T. VCF-style: chr1-237441383-G-T. GRCh37 (hg19) VCF-style: chr1-237604683-G-T.
Other names: short protein forms G357V.
Identifiers: ClinVar variation 4291726 (VCV004291726.1).
Genomic context (GRCh38, chr1:237,441,383, plus strand): 5'-AATTGGATGTAGGGGTGAGAAAAGAAGTAGATGGCATGGGAACATCTGAAATAAAATACG[G>T]TGACTCAGTATGCTATATACAACATGTAGACACAGGCCTATGGCTTACTTACCAGTCTGT-3'
Protein context (NP_001026.2, residues 347-367): DGMGTSEIKY[Gly357Val]DSVCYIQHVD

ClinVar aggregate classification (germline): Likely pathogenic (1 of 4 stars; one submission).

Conditions:
Catecholaminergic polymorphic ventricular tachycardia 1. Also called: RYR2-Related Catecholaminergic Polymorphic Ventricular Tachycardia; VENTRICULAR TACHYCARDIA, STRESS-INDUCED POLYMORPHIC 1; VENTRICULAR TACHYCARDIA, CATECHOLAMINERGIC POLYMORPHIC, 1, WITH OR WITHOUT ATRIAL DYSFUNCTION AND/OR DILATED CARDIOMYOPATHY. Identifiers: Orphanet 3286, MedGen C1631597, MONDO:0011484, OMIM 604772.

Submission:

3billion
Classification: Likely pathogenic for Catecholaminergic polymorphic ventricular tachycardia 1. Last evaluated: 2024-06-24. Review status: criteria provided, single submitter. Criteria: ACMG Guidelines, 2015. Collection method: clinical testing. Allele origin: germline. Affected: yes.
Comment: The variant is not observed in the gnomAD v4.0.0 dataset. Predicted Consequence/Location: Missense changes are a common disease-causing mechanism. In silico tool predictions suggest damaging effect of the variant on gene or gene product [REVEL: 0.87 (>=0.6, sensitivity 0.68 and specificity 0.92); 3Cnet: 0.97 (>=0.6, sensitivity 0.72 and precision 0.9)]. Different missense changes at the same codon (p.Gly357Asp, p.Gly357Ser) have been reported as pathogenic/likely pathogenic with strong evidence (ClinVar ID: VCV000519533, VCV002037310 /PMID: 19926015). Therefore, this variant is classified as Likely pathogenic according to the recommendation of ACMG/AMP guideline.

Literature cited by the submitters: PubMed 19926015.